The following is an entry in ClinVar:

ClinVar aggregate classification (germline): Uncertain significance. Review status: criteria provided, multiple submitters, no conflicts (2 of 4 stars). 3 submissions from 3 submitters: Uncertain significance (3). Last evaluated 2024-12-17.

Conditions:
Familial melanoma. Also called: Hereditary melanoma; Hereditary cutaneous melanoma. Identifiers: Orphanet 618, MedGen C1512419, MONDO:0018961.
Hereditary cancer-predisposing syndrome. Also called: Tumor predisposition; Neoplastic Syndromes, Hereditary; Hereditary Cancer Syndrome; Hereditary neoplastic syndrome. Identifiers: Orphanet 140162, MedGen C0027672, MeSH D009386, MONDO:0015356.

Allele frequency attached by ClinVar (database versions not stated): gnomAD exomes below 0.00001.
gnomAD v4.1: 1 of 1,611,440 alleles (0.000062%); highest among the groups gnomAD compares: East Asian, 0.0022%; no homozygotes.

Submissions (3):

Ambry Genetics
Classification: Uncertain significance for Hereditary cancer-predisposing syndrome. Last evaluated: 2024-12-17. Review status: criteria provided, single submitter. Criteria: Ambry Variant Classification Scheme 2023. Collection method: clinical testing. Allele origin: germline.
Comment: The c.457+3G>A intronic variant results from a G to A substitution 3 nucleotides after coding exon 2 in the CDKN2A gene. This nucleotide position is highly conserved in available vertebrate species. In silico splice site analysis predicts that this alteration will not have any significant effect on splicing. Based on the available evidence, the clinical significance of this variant remains unclear.

Labcorp Genetics (formerly Invitae), Labcorp
Classification: Uncertain significance for Familial melanoma. Last evaluated: 2020-09-28. Review status: criteria provided, single submitter. Criteria: Invitae Variant Classification Sherloc (09022015). Collection method: clinical testing. Allele origin: germline.
Comment: This sequence change falls in intron 2 of the CDKN2A (p16INK4a) gene. It does not directly change the encoded amino acid sequence of the CDKN2A (p16INK4a) protein, but it affects a nucleotide within the consensus splice site of the intron. This variant is not present in population databases (ExAC no frequency). This variant has not been reported in the literature in individuals with CDKN2A (p16INK4a)-related conditions. ClinVar contains an entry for this variant (Variation ID: 801144). Nucleotide substitutions within the consensus splice site are a relatively common cause of aberrant splicing (PMID: 17576681, 9536098). Algorithms developed to predict the effect of sequence changes on RNA splicing suggest that this variant is not likely to affect RNA splicing, but this prediction has not been confirmed by published transcriptional studies. In summary, the available evidence is currently insufficient to determine the role of this variant in disease. Therefore, it has been classified as a Variant of Uncertain Significance.

Quest Diagnostics Nichols Institute San Juan Capistrano
Classification: Uncertain significance. Last evaluated: 2019-05-08. Review status: criteria provided, single submitter. Criteria: Quest Diagnostics criteria. Collection method: clinical testing. Allele origin: germline.

Literature cited by the submitters: PubMed 17576681 (cited by Labcorp Genetics (formerly Invitae), Labcorp); PubMed 9536098 (cited by Labcorp Genetics (formerly Invitae), Labcorp).

NM_000077.5(CDKN2A):c.457+3G>A

Gene: CDKN2A (cyclin dependent kinase inhibitor 2A; minus strand). Cytogenetic location: 9p21.3.
Variant type: single nucleotide variant.
Coding change: c.457+3G>A on transcript NM_000077.5 (MANE Select); 3 bases into the intron after coding-DNA position 457, G replaced by A.
Molecular consequence: intron variant.
Genome position (GRCh38, 1-based): chr9:21,970,899, C>T on the plus strand (G>A on the coding strand, the complement: CDKN2A is on the minus strand). VCF-style: chr9-21970899-C-T. GRCh37 (hg19) VCF-style: chr9-21970898-C-T.
Other names: c.304+3G>A (NM_001363763.2); c.*101+3G>A (NM_058195.4); c.457+3G>A (NM_001195132.2); c.*380+3G>A (NM_058197.5).
Identifiers: ClinVar variation 801144 (VCV000801144.14), dbSNP rs1206827598, ClinGen allele CA373085799.